The following is an entry in ClinVar:

NM_001267550.2(TTN):c.72358C>G (p.Leu24120Val)

Genes: TTN (titin; minus strand), TTN-AS1 (TTN antisense RNA 1; plus strand). Cytogenetic location: 2q31.2.
Variant type: single nucleotide variant.
Coding change: c.72358C>G on transcript NM_001267550.2 (MANE Select); coding-DNA position 72358, C replaced by G.
Protein change: p.Leu24120Val; replaces leucine 24120 with valine.
Molecular consequence: missense variant.
Genome position (GRCh38, 1-based): chr2:178,573,774, G>C on the plus strand (C>G on the coding strand, the complement: TTN is on the minus strand). VCF-style: chr2-178573774-G-C. GRCh37 (hg19) VCF-style: chr2-179438501-G-C.
Other names: c.67435C>G, p.Leu22479Val (NM_001256850.1); c.45163C>G, p.Leu15055Val (NM_003319.4); c.64654C>G, p.Leu21552Val (NM_133378.4); c.45538C>G, p.Leu15180Val (NM_133432.3); c.45739C>G, p.Leu15247Val (NM_133437.4); short protein forms L15247V, L15180V, L22479V, L21552V, L24120V, L15055V.
Identifiers: ClinVar variation 1741161 (VCV001741161.2), dbSNP rs372309164, ClinGen allele CA349647538.

ClinVar aggregate classification (germline): Uncertain significance (1 of 4 stars; one submission).

Conditions:
Cardiovascular phenotype. Identifiers: MedGen CN230736.

gnomAD v4.1: 6 of 1,607,296 alleles (0.00037%); highest among the groups gnomAD compares: African/African-American, 0.0027%; no homozygotes.

Submission:

Ambry Genetics
Classification: Uncertain significance for Cardiovascular phenotype. Last evaluated: 2019-02-08. Review status: criteria provided, single submitter. Criteria: Ambry Variant Classification Scheme 2023. Collection method: clinical testing. Allele origin: germline.
Comment: The p.L15055V variant (also known as c.45163C>G), located in coding exon 153 of the TTN gene, results from a C to G substitution at nucleotide position 45163. The leucine at codon 15055 is replaced by valine, an amino acid with highly similar properties. This amino acid position is highly conserved in available vertebrate species. In addition, this alteration is predicted to be tolerated by in silico analysis. Since supporting evidence is limited at this time, the clinical significance of this alteration remains unclear.